The following is an entry in ClinVar:

ClinVar aggregate classification (germline): Uncertain significance (1 of 4 stars; one submission).

Conditions:
Severe early-onset pulmonary alveolar proteinosis due to MARS deficiency. Also called: PULMONARY ALVEOLAR PROTEINOSIS, REUNION ISLAND; Interstitial lung and liver disease. Identifiers: Orphanet 440427, MedGen C4225400, MONDO:0014206, OMIM 615486.
Charcot-Marie-Tooth disease axonal type 2U. Also called: CHARCOT-MARIE-TOOTH NEUROPATHY, TYPE 2U; CHARCOT-MARIE-TOOTH DISEASE, AXONAL, AUTOSOMAL DOMINANT, TYPE 2U. Identifiers: Orphanet 397735, MedGen C4084821, MONDO:0014566, OMIM 616280.

Allele frequency attached by ClinVar (database versions not stated): gnomAD exomes below 0.00001; ExAC 0.00001; gnomAD 0.00002; TOPMed 0.00004; 1000 Genomes Project 0.00020; 1000 Genomes Project 30x 0.00031.
gnomAD v4.1: 9 of 1,614,196 alleles (0.00056%); highest among the groups gnomAD compares: African/African-American, 0.011%; no homozygotes.

Submission:

Labcorp Genetics (formerly Invitae), Labcorp
Classification: Uncertain significance for Charcot-Marie-Tooth disease axonal type 2U; Severe early-onset pulmonary alveolar proteinosis due to MARS deficiency. Last evaluated: 2023-05-30. Review status: criteria provided, single submitter. Criteria: Invitae Variant Classification Sherloc (09022015). Collection method: clinical testing. Allele origin: germline.
Comment: In summary, the available evidence is currently insufficient to determine the role of this variant in disease. Therefore, it has been classified as a Variant of Uncertain Significance. Algorithms developed to predict the effect of sequence changes on RNA splicing suggest that this variant may disrupt the consensus splice site. ClinVar contains an entry for this variant (Variation ID: 2167084). This variant has not been reported in the literature in individuals affected with MARS-related conditions. This variant is present in population databases (rs528310242, gnomAD 0.02%). This sequence change falls in intron 17 of the MARS gene. It does not directly change the encoded amino acid sequence of the MARS protein.

NM_004990.4(MARS1):c.2204+9G>A

Gene: MARS1 (methionyl-tRNA synthetase 1; plus strand). Cytogenetic location: 12q13.3.
Variant type: single nucleotide variant.
Coding change: c.2204+9G>A on transcript NM_004990.4 (MANE Select); 9 bases into the intron after coding-DNA position 2204, G replaced by A.
Molecular consequence: intron variant.
Genome position (GRCh38, 1-based): chr12:57,515,067, G>A. VCF-style: chr12-57515067-G-A. GRCh37 (hg19) VCF-style: chr12-57908850-G-A.
Identifiers: ClinVar variation 2167084 (VCV002167084.4), dbSNP rs528310242, ClinGen allele CA6650731.